The following is an entry in ClinVar:

ClinVar aggregate classification (germline): Uncertain significance. Review status: reviewed by expert panel (3 of 4 stars). 2 submissions from 2 submitters: Uncertain significance (1). 1 of the submissions does not count toward it. Last evaluated 2018-08-10.

Conditions:
Phenylketonuria (PKU). Also called: Phenylketonuria (PKU); FOLLING DISEASE; OLIGOPHRENIA PHENYLPYRUVICA; Phenylketonurias. Identifiers: Orphanet 716, MedGen C0031485, MONDO:0009861, OMIM 261600. Disease mechanism: loss of function.

Submissions (2):

ClinGen PAH Variant Curation Expert Panel
Classification: Uncertain significance for Phenylketonuria. Last evaluated: 2018-08-10. Review status: reviewed by expert panel. Criteria: ClinGen PAH ACMG Specifications v1. Collection method: curation. Allele origin: germline. Inheritance: Autosomal recessive inheritance.
Comment: PAH-specific ACMG/AMP criteria applied: PM2: chr12-103288654--GAGAAG; Absent from population databases; PM4: in-frame insertion. In summary this variant meets criteria to be classified as uncertain significance for phenylketonuria based on the ACMG/AMP criteria applied as specified by the PAH Expert Panel: (PM2, PM4).

Inserm U 954, Faculté de Médecine de Nancy
Classification: Likely pathogenic for Phenylketonuria. Review status: no assertion criteria provided. Collection method: not provided. Allele origin: unknown. Not counted in ClinVar's aggregate classification.
ClinVar note: Converted during submission from probable-pathogenic to Likely pathogenic.

NM_000277.2(PAH):c.206_211dup (p.Ser70_Arg71insProSer)

Gene: PAH (phenylalanine hydroxylase; minus strand). Cytogenetic location: 12q23.2.
Variant type: Duplication.
Coding change: c.206_211dup on transcript NM_000277.2; coding-DNA positions 206 to 211, 6 bases duplicated (CTTCTC; older notation c.206_211dupCTTCTC).
Protein change: p.Ser70_Arg71insProSer.
Molecular consequence: inframe insertion (on NM_000277.3).
Genome position (GRCh38, 1-based): chr12:102,894,876-102,894,881, GAGAAG duplicated on the plus strand (CTTCTC on the coding strand, the reverse complement: PAH is on the minus strand); duplicating any 6 consecutive bases within chr12:102,894,876-102,894,882 gives the same sequence; the c. name uses the placement nearest the transcript's 3' end. VCF-style (leftmost placement, unchanged base first): chr12-102894875-C-CGAGAAG. GRCh37 (hg19) VCF-style: chr12-103288653-C-CGAGAAG.
Other names: NM_000277.2(PAH):c.205_210dup; c.206_211dup, p.Pro69_Ser70dup (NM_000277.3, NM_001354304.2).
Identifiers: ClinVar variation 120271 (VCV000120271.3), dbSNP rs281865431, ClinGen allele CA267647.